The following is an entry in ClinVar:

ClinVar aggregate classification (germline): Likely benign. Review status: criteria provided, multiple submitters, no conflicts (2 of 4 stars). 2 submissions from 2 submitters: Likely benign (2). Last evaluated 2025-08-31.

Conditions:
JAM3-related disorder. Also called: JAM3-related condition.

Allele frequency attached by ClinVar (database versions not stated): ExAC 0.00001; gnomAD exomes 0.00001 and 0.00002; TOPMed 0.00001; gnomAD 0.00002; ESP Exome Variant Server 0.00008.
gnomAD v4.1: 38 of 1,613,878 alleles (0.0024%); highest among the groups gnomAD compares: Non-Finnish European, 0.0032%; no homozygotes.

Submissions (2):

PreventionGenetics, part of Exact Sciences
Classification: Likely benign for JAM3-related condition. Last evaluated: 2025-08-31. Review status: criteria provided, single submitter. Criteria: ACMG Guidelines, 2015. Collection method: clinical testing. Allele origin: germline.
Comment: This variant is classified as likely benign based on ACMG/AMP sequence variant interpretation guidelines (Richards et al. 2015 PMID: 25741868, with internal and published modifications).

Labcorp Genetics (formerly Invitae), Labcorp
Classification: Likely benign. Last evaluated: 2022-08-16. Review status: criteria provided, single submitter. Criteria: Invitae Variant Classification Sherloc (09022015). Collection method: clinical testing. Allele origin: germline.

NM_032801.5(JAM3):c.117A>T (p.Arg39=)

Gene: JAM3 (junctional adhesion molecule 3; plus strand). Cytogenetic location: 11q25.
Variant type: single nucleotide variant.
Coding change: c.117A>T on transcript NM_032801.5 (MANE Select); coding-DNA position 117, A replaced by T.
Protein change: p.Arg39=; no amino-acid change (arginine 39 retained).
Molecular consequence: synonymous variant.
Genome position (GRCh38, 1-based): chr11:134,139,891, A>T. VCF-style: chr11-134139891-A-T. GRCh37 (hg19) VCF-style: chr11-134009786-A-T.
Other names: c.117A>T, p.Arg39= (NM_001205329.2); c.117A>T (NM_032801.4).
Identifiers: ClinVar variation 1587832 (VCV001587832.9), dbSNP rs373386112, ClinGen allele CA6369910.